The following is an entry in ClinVar:

NM_020975.6(RET):c.136G>T (p.Ala46Ser)

Gene: RET (ret proto-oncogene; plus strand). Cytogenetic location: 10q11.21.
Variant type: single nucleotide variant.
Coding change: c.136G>T on transcript NM_020975.6 (MANE Select); coding-DNA position 136, G replaced by T.
Protein change: p.Ala46Ser; replaces alanine 46 with serine.
Molecular consequence: missense variant.
Genome position (GRCh38, 1-based): chr10:43,100,521, G>T. VCF-style: chr10-43100521-G-T. GRCh37 (hg19) VCF-style: chr10-43595969-G-T.
Other names: c.136G>T, p.Ala46Ser (NM_000323.2, NM_001406743.1, NM_001406744.1 and 34 more transcripts); short protein forms A46S.
Identifiers: ClinVar variation 819010 (VCV000819010.7), dbSNP rs1419255561, ClinGen allele CA376770173.

ClinVar aggregate classification (germline): Uncertain significance. Review status: criteria provided, multiple submitters, no conflicts (2 of 4 stars). 2 submissions from 2 submitters: Uncertain significance (2). Last evaluated 2023-03-04.

Conditions:
Multiple endocrine neoplasia, type 2 (MEN2). Identifiers: Orphanet 653, MedGen C4048306, MONDO:0019003. Disease mechanism: gain of function.
Hereditary cancer-predisposing syndrome. Also called: Tumor predisposition; Hereditary neoplastic syndrome; Neoplastic Syndromes, Hereditary; Hereditary Cancer Syndrome. Identifiers: Orphanet 140162, MedGen C0027672, MeSH D009386, MONDO:0015356.

Submissions (2):

All of Us Research Program, National Institutes of Health
Classification: Uncertain significance for Multiple endocrine neoplasia, type 2. Last evaluated: 2023-03-04. Review status: criteria provided, single submitter. Criteria: ACMG Guidelines, 2015. Collection method: clinical testing. Allele origin: germline. Inheritance: Autosomal dominant inheritance. Observed: 1 variant allele, 1 heterozygote.
Comment: This study involves interpretation of variants in research participants for the purpose of population health screening. Participant phenotype was not available at the time of variant classification. Additional details can be found in publication PMID: 35346344, PMCID: PMC8962531

Ambry Genetics
Classification: Uncertain significance for Hereditary cancer-predisposing syndrome. Last evaluated: 2019-10-23. Review status: criteria provided, single submitter. Criteria: Ambry Variant Classification Scheme 2023. Collection method: clinical testing. Allele origin: germline.
Comment: The p.A46S variant (also known as c.136G>T), located in coding exon 2 of the RET gene, results from a G to T substitution at nucleotide position 136. The alanine at codon 46 is replaced by serine, an amino acid with similar properties. This amino acid position is well conserved in available vertebrate species. In addition, this alteration is predicted to be tolerated by in silico analysis. Since supporting evidence is limited at this time, the clinical significance of this alteration remains unclear.